The following is an entry in ClinVar:

ClinVar aggregate classification (germline): Uncertain significance (1 of 4 stars; one submission).

Conditions:
Early-infantile DEE. Also called: Early infantile epileptic encephalopathy; Early infantile epileptic encephalopathy with suppression bursts; Ohtahara syndrome. Identifiers: Orphanet 1934, MedGen C0393706, MONDO:0800491.

Submission:

Labcorp Genetics (formerly Invitae), Labcorp
Classification: Uncertain significance for Early-infantile DEE. Last evaluated: 2022-02-25. Review status: criteria provided, single submitter. Criteria: Invitae Variant Classification Sherloc (09022015). Collection method: clinical testing. Allele origin: germline.
Comment: In summary, the available evidence is currently insufficient to determine the role of this variant in disease. Therefore, it has been classified as a Variant of Uncertain Significance. Algorithms developed to predict the effect of sequence changes on RNA splicing suggest that this variant may create or strengthen a splice site. This variant has not been reported in the literature in individuals affected with SCN8A-related conditions. This variant is not present in population databases (gnomAD no frequency). This sequence change falls in intron 22 of the SCN8A gene. It does not directly change the encoded amino acid sequence of the SCN8A protein.

NM_001330260.2(SCN8A):c.4228-7T>C

Gene: SCN8A (sodium voltage-gated channel alpha subunit 8; plus strand). Cytogenetic location: 12q13.13.
Variant type: single nucleotide variant.
Coding change: c.4228-7T>C on transcript NM_001330260.2 (MANE Select); 7 bases into the intron before coding-DNA position 4228, T replaced by C.
Molecular consequence: intron variant.
Genome position (GRCh38, 1-based): chr12:51,788,688, T>C. VCF-style: chr12-51788688-T-C. GRCh37 (hg19) VCF-style: chr12-52182472-T-C.
Other names: c.4228-7T>C (NM_014191.4); c.4105-7T>C (NM_001177984.3, NM_001369788.1).
Identifiers: ClinVar variation 2103383 (VCV002103383.4), dbSNP rs2540305435, ClinGen allele CA2580086404.
Genomic context (GRCh38, chr12:51,788,688, plus strand): 5'-GACCCCTGCCTAGACTCCCATCCACTCCCTTTATAGGCACCGTCTAATGACTGACTCTGT[T>C]TGCCAGGCAACCTTCAAAGGCTGGATGGACATCATGTATGCAGCTGTAGATTCCCGGAAG-3'